The following is an entry in ClinVar:

NM_139215.3(TAF15):c.1545T>C (p.Tyr515=)

Gene: TAF15 (TATA-box binding protein associated factor 15; plus strand). Cytogenetic location: 17q12.
Variant type: single nucleotide variant.
Coding change: c.1545T>C on transcript NM_139215.3 (MANE Select); coding-DNA position 1545, T replaced by C.
Protein change: p.Tyr515=; no amino-acid change (tyrosine 515 retained).
Molecular consequence: synonymous variant.
Genome position (GRCh38, 1-based): chr17:35,844,844, T>C. VCF-style: chr17-35844844-T-C. GRCh37 (hg19) VCF-style: chr17-34171848-T-C.
Other names: c.1536T>C, p.Tyr512= (NM_003487.4).
Identifiers: ClinVar variation 3388149 (VCV003388149.14).

ClinVar aggregate classification (germline): Likely benign (1 of 4 stars; one submission).

gnomAD v4.1: 41 of 1,599,886 alleles (0.0026%); highest among the groups gnomAD compares: South Asian, 0.011%; no homozygotes.

Submission:

CeGaT Center for Human Genetics Tuebingen
Classification: Likely benign. Last evaluated: 2024-10-01. Review status: criteria provided, single submitter. Criteria: CeGaT Center For Human Genetics Tuebingen Variant Classification Criteria Version 2. Collection method: clinical testing. Allele origin: germline. Affected: yes. Observed: 1 variant allele.
Comment: TAF15: BP4, BP7